The following is an entry in ClinVar:

ClinVar aggregate classification (germline): Uncertain significance (1 of 4 stars; one submission).

Conditions:
Encephalopathy, acute, infection-induced (herpes-specific), susceptibility to, 1. Also called: Herpes simplex encephalitis, susceptibility to, 1. Identifiers: Orphanet 1930, MedGen C2750180, MONDO:0024563, OMIM 610551.

Allele frequency attached by ClinVar (database versions not stated): gnomAD exomes 0.00001 and 0.00002; TOPMed 0.00003; gnomAD 0.00001.

Submission:

Labcorp Genetics (formerly Invitae), Labcorp
Classification: Uncertain significance for Encephalopathy, acute, infection-induced (herpes-specific), susceptibility to, 1. Last evaluated: 2022-01-12. Review status: criteria provided, single submitter. Criteria: Invitae Variant Classification Sherloc (09022015). Collection method: clinical testing. Allele origin: germline.
Comment: This sequence change replaces cysteine, which is neutral and slightly polar, with arginine, which is basic and polar, at codon 583 of the UNC93B1 protein (p.Cys583Arg). The frequency data for this variant in the population databases is considered unreliable, as metrics indicate poor data quality at this position in the gnomAD database. This variant has not been reported in the literature in individuals affected with UNC93B1-related conditions. Experimental studies and prediction algorithms are not available or were not evaluated, and the functional significance of this variant is currently unknown. In summary, the available evidence is currently insufficient to determine the role of this variant in disease. Therefore, it has been classified as a Variant of Uncertain Significance.

NM_030930.4(UNC93B1):c.1747T>C (p.Cys583Arg)

Gene: UNC93B1 (unc-93B1 regulator of TLR signaling; minus strand). Cytogenetic location: 11q13.2.
Variant type: single nucleotide variant.
Coding change: c.1747T>C on transcript NM_030930.4 (MANE Select); coding-DNA position 1747, T replaced by C.
Protein change: p.Cys583Arg; replaces cysteine 583 with arginine.
Molecular consequence: missense variant.
Genome position (GRCh38, 1-based): chr11:67,991,593, A>G on the plus strand (T>C on the coding strand, the complement: UNC93B1 is on the minus strand). VCF-style: chr11-67991593-A-G. GRCh37 (hg19) VCF-style: chr11-67759064-A-G.
Other names: short protein forms C583R.
Identifiers: ClinVar variation 1475538 (VCV001475538.3), dbSNP rs980602367, ClinGen allele CA224210644.